The following is an entry in ClinVar:

NM_000548.5(TSC2):c.4921C>G (p.Leu1641Val)

Gene: TSC2 (TSC complex subunit 2; plus strand). Cytogenetic location: 16p13.3.
Variant type: single nucleotide variant.
Coding change: c.4921C>G on transcript NM_000548.5 (MANE Select); coding-DNA position 4921, C replaced by G.
Protein change: p.Leu1641Val; replaces leucine 1641 with valine.
Molecular consequence: missense variant. On other transcripts: non-coding transcript variant (5).
Genome position (GRCh38, 1-based): chr16:2,086,803, C>G. VCF-style: chr16-2086803-C-G. GRCh37 (hg19) VCF-style: chr16-2136804-C-G.
Other names: c.4321C>G, p.Leu1441Val (NM_001406680.1); c.4261C>G, p.Leu1421Val (NM_001406681.1); c.4252C>G, p.Leu1418Val (NM_001406682.1, NM_001406683.1); c.4249C>G, p.Leu1417Val (NM_001406684.1); c.4123C>G, p.Leu1375Val (NM_001406685.1, NM_001406686.1); c.4120C>G, p.Leu1374Val (NM_001406687.1, NM_001406688.1); c.3508C>G, p.Leu1170Val (NM_001406689.1); c.3448C>G, p.Leu1150Val (NM_001406690.1); and 26 more; short protein forms L1421V, L1525V, L1569V, L1597V, L1640V, L1126V, L1149V, L1441V.
Identifiers: ClinVar variation 2875741 (VCV002875741.4), dbSNP rs1343423120, ClinGen allele CA394308565.

ClinVar aggregate classification (germline): Uncertain significance. Review status: criteria provided, multiple submitters, no conflicts (2 of 4 stars). 2 submissions from 2 submitters: Uncertain significance (2). Last evaluated 2025-02-16.

Conditions:
Tuberous sclerosis 2 (TSC2). Identifiers: Orphanet 805, MedGen C1860707, MONDO:0013199, OMIM 613254.
Tuberous sclerosis syndrome (TSC). Also called: Tuberous sclerosis; Tuberous Sclerosis Complex. Identifiers: Orphanet 805, MedGen C0041341, MONDO:0001734.

Allele frequency attached by ClinVar (database versions not stated): TOPMed below 0.00001.

Submissions (2):

Labcorp Genetics (formerly Invitae), Labcorp
Classification: Uncertain significance for Tuberous sclerosis 2. Last evaluated: 2025-02-16. Review status: criteria provided, single submitter. Criteria: Invitae Variant Classification Sherloc (09022015). Collection method: clinical testing. Allele origin: germline.
Comment: This sequence change replaces leucine, which is neutral and non-polar, with valine, which is neutral and non-polar, at codon 1641 of the TSC2 protein (p.Leu1641Val). This variant is not present in population databases (gnomAD no frequency). This variant has not been reported in the literature in individuals affected with TSC2-related conditions. ClinVar contains an entry for this variant (Variation ID: 2875741). Invitae Evidence Modeling of protein sequence and biophysical properties (such as structural, functional, and spatial information, amino acid conservation, physicochemical variation, residue mobility, and thermodynamic stability) indicates that this missense variant is not expected to disrupt TSC2 protein function with a negative predictive value of 95%. In summary, the available evidence is currently insufficient to determine the role of this variant in disease. Therefore, it has been classified as a Variant of Uncertain Significance.

All of Us Research Program, National Institutes of Health
Classification: Uncertain significance for Tuberous sclerosis syndrome. Last evaluated: 2024-04-25. Review status: criteria provided, single submitter. Criteria: ACMG Guidelines, 2015. Collection method: clinical testing. Allele origin: germline. Inheritance: Autosomal dominant inheritance. Observed: 1 variant allele, 1 heterozygote.
Comment: This missense variant replaces leucine with valine at codon 1641 of the TSC2 protein. Computational prediction is inconclusive regarding the impact of this variant on protein structure and function (internally defined REVEL score threshold 0.5 < inconclusive < 0.7, PMID: 27666373). To our knowledge, functional studies have not been reported for this variant. This variant has not been reported in individuals affected with TSC2-related disorders in the literature. This variant has not been identified in the general population by the Genome Aggregation Database (gnomAD). The available evidence is insufficient to determine the role of this variant in disease conclusively. Therefore, this variant is classified as a Variant of Uncertain Significance.

This study involves interpretation of variants in research participants for the purpose of population health screening. Participant phenotype was not available at the time of variant classification. Additional details can be found in publication PMID: 35346344, PMCID: PMC8962531